The following is an entry in ClinVar:

NM_203453.5(PLPP6):c.877A>C (p.Ser293Arg)

Genes: PLPP6 (phospholipid phosphatase 6; plus strand), SPATA6L (spermatogenesis associated 6 like; minus strand). Cytogenetic location: 9p24.1.
Variant type: single nucleotide variant.
Coding change: c.877A>C on transcript NM_203453.5 (MANE Select); coding-DNA position 877, A replaced by C.
Protein change: p.Ser293Arg; replaces serine 293 with arginine.
Molecular consequence: missense variant. On other transcripts: intron variant (6).
Genome position (GRCh38, 1-based): chr9:4,663,252, A>C. VCF-style: chr9-4663252-A-C. GRCh37 (hg19) VCF-style: chr9-4663252-A-C.
Other names: c.40-1216T>G (NM_001039395.4, NM_001353484.2, NM_001353486.2 and 2 more transcripts); c.-606-1216T>G (NM_001353491.2); short protein forms S293R.
Identifiers: ClinVar variation 3053035 (VCV003053035.2), dbSNP rs72695803, ClinGen allele CA4970208.

ClinVar aggregate classification (germline): Likely benign (0 of 4 stars; one submission).

Conditions:
PLPP6-related disorder. Also called: PLPP6-related condition.

Allele frequency attached by ClinVar (database versions not stated): 1000 Genomes Project 30x 0.00078; 1000 Genomes Project 0.00080; gnomAD 0.00082; ExAC 0.00113; ESP Exome Variant Server 0.00154.
gnomAD v4.1: 1,784 of 1,612,976 alleles (0.11%); highest among the groups gnomAD compares: Middle Eastern, 0.3%; 2 homozygotes.

Submission:

PreventionGenetics, part of Exact Sciences
Classification: Likely benign for PLPP6-related condition. Last evaluated: 2022-02-10. Review status: no assertion criteria provided. Collection method: clinical testing. Allele origin: germline.
Comment: This variant is classified as likely benign based on ACMG/AMP sequence variant interpretation guidelines (Richards et al. 2015 PMID: 25741868, with internal and published modifications).